The following is an entry in ClinVar:

NM_001244008.2(KIF1A):c.2859-261dup

Gene: KIF1A (kinesin family member 1A; minus strand). Cytogenetic location: 2q37.3.
Variant type: Duplication.
Coding change: c.2859-261dup on transcript NM_001244008.2 (MANE Select); 261 bases into the intron before coding-DNA position 2859, one base duplicated (G; older notation c.2859-261dupG).
Molecular consequence: intron variant.
Genome position (GRCh38, 1-based): chr2:240,750,806, C duplicated on the plus strand (G on the coding strand, the reverse complement: KIF1A is on the minus strand); the first of 3 consecutive C bases (chr2:240,750,806-240,750,808); duplicating any one gives the same sequence. VCF-style (leftmost placement, unchanged base first): chr2-240750805-G-GC. GRCh37 (hg19) VCF-style: chr2-241690222-G-GC.
Other names: c.2556-261dup (NM_001379653.1, NM_001379650.1, NM_001379640.1 and 6 more transcripts); c.2832-261dup (NM_001379645.1, NM_001379633.1, NM_001379642.1); c.2658-261dup (NM_001379635.1, NM_001330290.2, NM_001379646.1 and 1 more transcripts); c.2808-261dup (NM_001379632.1); c.2631-261dup (NM_001379637.1, NM_001379648.1); c.2583-261dup (NM_001320705.2, NM_001379638.1, NM_001330289.2); c.2934-261dup (NM_001379631.1).
Identifiers: ClinVar variation 683902 (VCV000683902.1), dbSNP rs34231189, ClinGen allele CA68161465.

ClinVar aggregate classification (germline): Benign (1 of 4 stars; one submission).

Submission:

GeneDx
Classification: Benign. Last evaluated: 2018-06-14. Review status: criteria provided, single submitter. Criteria: GeneDx Variant Classification (06012015). Collection method: clinical testing. Allele origin: germline. Affected: yes.
Comment: This variant is considered likely benign or benign based on one or more of the following criteria: it is a conservative change, it occurs at a poorly conserved position in the protein, it is predicted to be benign by multiple in silico algorithms, and/or has population frequency not consistent with disease.